The following is an entry in ClinVar:

ClinVar aggregate classification (germline): Uncertain significance (1 of 4 stars; one submission).

Conditions:
Granulomatous disease, chronic, autosomal recessive, cytochrome b-positive, type 2. Also called: GRANULOMATOUS DISEASE, CHRONIC, AUTOSOMAL RECESSIVE, 2; GRANULOMATOUS DISEASE, CHRONIC, DUE TO NCF2 DEFICIENCY; Chronic granulomatous disease due to deficiency of NCF-2; Chronic Granulomatous Disease, Autosomal Recessive, Cytochrome b-Positive, Type II; CGD, AUTOSOMAL RECESSIVE CYTOCHROME b-POSITIVE, TYPE II. Identifiers: Orphanet 379, MedGen C1856245, MONDO:0009310, OMIM 233710.

Submission:

Labcorp Genetics (formerly Invitae), Labcorp
Classification: Uncertain significance for Granulomatous disease, chronic, autosomal recessive, cytochrome b-positive, type 2. Last evaluated: 2021-09-26. Review status: criteria provided, single submitter. Criteria: Invitae Variant Classification Sherloc (09022015). Collection method: clinical testing. Allele origin: germline.
Comment: In summary, the available evidence is currently insufficient to determine the role of this variant in disease. Therefore, it has been classified as a Variant of Uncertain Significance. Algorithms developed to predict the effect of missense changes on protein structure and function are either unavailable or do not agree on the potential impact of this missense change (SIFT: "Tolerated"; PolyPhen-2: "Possibly Damaging"; Align-GVGD: "Class C0"). This variant has not been reported in the literature in individuals affected with NCF2-related conditions. This variant is not present in population databases (ExAC no frequency). This sequence change replaces asparagine with lysine at codon 104 of the NCF2 protein (p.Asn104Lys). The asparagine residue is highly conserved and there is a moderate physicochemical difference between asparagine and lysine.

NM_000433.4(NCF2):c.312C>A (p.Asn104Lys)

Gene: NCF2 (neutrophil cytosolic factor 2; minus strand). Cytogenetic location: 1q25.3.
Variant type: single nucleotide variant.
Coding change: c.312C>A on transcript NM_000433.4 (MANE Select); coding-DNA position 312, C replaced by A.
Protein change: p.Asn104Lys; replaces asparagine 104 with lysine.
Molecular consequence: missense variant.
Genome position (GRCh38, 1-based): chr1:183,577,653, G>T on the plus strand (C>A on the coding strand, the complement: NCF2 is on the minus strand). VCF-style: chr1-183577653-G-T. GRCh37 (hg19) VCF-style: chr1-183546788-G-T.
Other names: c.312C>A, p.Asn104Lys (NM_001127651.3, NM_001190789.2, NM_001190794.2); short protein forms N104K.
Identifiers: ClinVar variation 1497992 (VCV001497992.6), dbSNP rs2102912417, ClinGen allele CA343679251.